The following is an entry in ClinVar:

ClinVar aggregate classification (germline): Uncertain significance (1 of 4 stars; one submission).

gnomAD v4.1: 5 of 1,613,246 alleles (0.00031%); highest among the groups gnomAD compares: Non-Finnish European, 0.00042%; no homozygotes.

Submission:

Labcorp Genetics (formerly Invitae), Labcorp
Classification: Uncertain significance. Last evaluated: 2025-10-13. Review status: criteria provided, single submitter. Criteria: Invitae Variant Classification Sherloc (09022015). Collection method: clinical testing. Allele origin: germline.
Comment: This sequence change replaces threonine, which is neutral and polar, with alanine, which is neutral and non-polar, at codon 9 of the TRAPPC3 protein (p.Thr9Ala). This variant is present in population databases (rs770476135, gnomAD 0.002%). This variant has not been reported in the literature in individuals affected with TRAPPC3-related conditions. Experimental studies and prediction algorithms are not available or were not evaluated, and the functional significance of this variant is currently unknown. In summary, the available evidence is currently insufficient to determine the role of this variant in disease. Therefore, it has been classified as a Variant of Uncertain Significance.

NM_014408.5(TRAPPC3):c.25A>G (p.Thr9Ala)

Gene: TRAPPC3 (trafficking protein particle complex subunit 3; minus strand). Cytogenetic location: 1p34.3.
Variant type: single nucleotide variant.
Coding change: c.25A>G on transcript NM_014408.5 (MANE Select); coding-DNA position 25, A replaced by G.
Protein change: p.Thr9Ala; replaces threonine 9 with alanine.
Molecular consequence: missense variant. On other transcripts: 5 prime UTR variant (1), non-coding transcript variant (2), intron variant (1).
Genome position (GRCh38, 1-based): chr1:36,149,354, T>C on the plus strand (A>G on the coding strand, the complement: TRAPPC3 is on the minus strand). VCF-style: chr1-36149354-T-C. GRCh37 (hg19) VCF-style: chr1-36614955-T-C.
Other names: c.25A>G, p.Thr9Ala (NM_001270894.2, NM_001270897.2); c.-359A>G (NM_001270896.2); c.-97+6529A>G (NM_001270895.2); short protein forms T9A.
Identifiers: ClinVar variation 4770449 (VCV004770449.1).
Genomic context (GRCh38, chr1:36,149,354, plus strand): 5'-CTCAATTTCGCCCCGCCCGCCGAGGTCACGCGCTCCAAGTTACCATTTTCTTGCTCTCGG[T>C]GCCACGGTTCGCCTGCCTCGACATGGTGCCGGCCGCCCCGCCCCACTCGCCTAGCCACGG-3'
Protein context (NP_055223.1, residues 1-19): MSRQANRG[Thr9Ala]ESKKMSSELF